The following is an entry in ClinVar:

NM_004444.5(EPHB4):c.965-6C>T

Gene: EPHB4 (EPH receptor B4; minus strand). Cytogenetic location: 7q22.1.
Variant type: single nucleotide variant.
Coding change: c.965-6C>T on transcript NM_004444.5 (MANE Select); 6 bases into the intron before coding-DNA position 965, C replaced by T.
Molecular consequence: intron variant.
Genome position (GRCh38, 1-based): chr7:100,819,895, G>A on the plus strand (C>T on the coding strand, the complement: EPHB4 is on the minus strand). VCF-style: chr7-100819895-G-A. GRCh37 (hg19) VCF-style: chr7-100417517-G-A.
Identifiers: ClinVar variation 720808 (VCV000720808.12), dbSNP rs376856776, ClinGen allele CA4393134.

ClinVar aggregate classification (germline): Likely benign. Review status: criteria provided, multiple submitters, no conflicts (2 of 4 stars). 5 submissions from 5 submitters: Likely benign (5). Last evaluated 2026-02-27.

Conditions:
EPHB4-related disorder. Also called: EPHB4-related disorders; EPHB4-related condition.

Allele frequency attached by ClinVar (database versions not stated): ESP Exome Variant Server 0.00008; gnomAD exomes 0.00026; ExAC 0.00043; TOPMed 0.00045; gnomAD 0.00076.

Submissions (5):

PreventionGenetics, part of Exact Sciences
Classification: Likely benign for EPHB4-related condition. Last evaluated: 2026-02-27. Review status: criteria provided, single submitter. Criteria: ACMG Guidelines, 2015. Collection method: clinical testing. Allele origin: germline.
Comment: This variant is classified as likely benign based on ACMG/AMP sequence variant interpretation guidelines (Richards et al. 2015 PMID: 25741868, with internal and published modifications).

Labcorp Genetics (formerly Invitae), Labcorp
Classification: Likely benign. Last evaluated: 2025-12-06. Review status: criteria provided, single submitter. Criteria: Invitae Variant Classification Sherloc (09022015). Collection method: clinical testing. Allele origin: germline.

Laboratory of Genetics, Children's Clinical University Hospital Latvia
Classification: Likely benign. Last evaluated: 2025-02-16. Review status: criteria provided, single submitter. Criteria: ACMG Guidelines, 2015. Collection method: clinical testing. Allele origin: germline. Affected: yes.

Blueprint Genetics
Classification: Likely benign. Last evaluated: 2024-11-21. Review status: criteria provided, single submitter. Criteria: ACMG Guidelines, 2015. Collection method: clinical testing. Allele origin: germline.

ARUP Laboratories, Molecular Genetics and Genomics, ARUP Laboratories
Classification: Likely benign. Last evaluated: 2024-09-26. Review status: criteria provided, single submitter. Criteria: ARUP Molecular Germline Variant Investigation Process 2024. Collection method: clinical testing. Allele origin: germline.